The following is an entry in ClinVar:

NM_000051.4(ATM):c.2572T>C (p.Phe858Leu)

Gene: ATM (ATM serine/threonine kinase; plus strand). Cytogenetic location: 11q22.3.
Variant type: single nucleotide variant.
Coding change: c.2572T>C on transcript NM_000051.4 (MANE Select); coding-DNA position 2572, T replaced by C.
Protein change: p.Phe858Leu; replaces phenylalanine 858 with leucine.
Molecular consequence: missense variant.
Genome position (GRCh38, 1-based): chr11:108,267,276, T>C. VCF-style: chr11-108267276-T-C. GRCh37 (hg19) VCF-style: chr11-108138003-T-C.
Other names: p.F858L:TTT>CTT; NP_000042.3:p.Phe858Leu; c.2572T>C, p.Phe858Leu (NM_001351834.2); short protein forms F858L.
Identifiers: ClinVar variation 132736 (VCV000132736.96), dbSNP rs1800056, ClinGen allele CA157086.

ClinVar aggregate classification (germline): Benign/Likely benign. Review status: criteria provided, multiple submitters, no conflicts (2 of 4 stars). 34 submissions from 34 submitters: Benign (19); Likely benign (5). 10 of the submissions do not count toward it. Last evaluated 2026-09-01.

Conditions:
Breast and/or ovarian cancer. Identifiers: MedGen CN221562.
Hereditary cancer-predisposing syndrome. Also called: Neoplastic Syndromes, Hereditary; Tumor predisposition; Hereditary neoplastic syndrome; Hereditary Cancer Syndrome. Identifiers: Orphanet 140162, MedGen C0027672, MeSH D009386, MONDO:0015356.
Hereditary breast ovarian cancer syndrome. Also called: Breast and ovarian cancer; BRCA1- and BRCA2-Associated Hereditary Breast and Ovarian Cancer; Hereditary breast and/or ovarian cancer syndrome; Hereditary breast and ovarian cancer syndrome; Hereditary breast and ovarian cancer; Hereditary breast and ovarian cancer syndrome (HBOC). Identifiers: Orphanet 145, MedGen C0677776, MeSH D061325, MONDO:0003582. Disease mechanism: loss of function.
Carcinoma of colon (CRC). Also called: Colonic carcinoma; Colon carcinoma. Identifiers: MedGen C0699790, MONDO:0002032.
Familial cancer of breast. Also called: Hereditary breast cancer; hereditary breast carcinoma; BREAST CANCER, FAMILIAL. Identifiers: Orphanet 227535, MedGen C0346153, MONDO:0016419, OMIM 114480. Disease mechanism: loss of function.
Ataxia-telangiectasia syndrome (AT). Also called: Ataxia-telangiectasia, complementation group D; AT, COMPLEMENTATION GROUP C; Ataxia telangiectasia (A-T); LOUIS-BAR SYNDROME; Cerebello-oculocutaneous telangiectasia; Immunodeficiency with ataxia telangiectasia. Identifiers: Orphanet 100, MedGen C0004135, MONDO:0008840, OMIM 208900.
Tip-toe gait. Also called: Toe walking. Identifiers: MedGen C0427144, HP:0030051.

Allele frequency attached by ClinVar (database versions not stated): 1000 Genomes Project 0.00459; 1000 Genomes Project 30x 0.00468; TOPMed 0.00832; gnomAD 0.00840 and 0.00861; gnomAD exomes 0.00865 and 0.01160; ESP Exome Variant Server 0.00900; ExAC 0.00915.
gnomAD v4.1: 18,110 of 1,614,054 alleles (1.1%); highest among the groups gnomAD compares: Middle Eastern, 1.7%; 133 homozygotes.

Submissions 1 to 19 of 34:

CeGaT Center for Human Genetics Tuebingen
Classification: Benign. Last evaluated: 2026-09-01. Review status: criteria provided, single submitter. Criteria: CeGaT Center For Human Genetics Tuebingen Variant Classification Criteria Version 2. Collection method: clinical testing. Allele origin: germline. Affected: yes. Observed: 235 variant alleles.
Comment: ATM: BS1, BS2

Labcorp Genetics (formerly Invitae), Labcorp
Classification: Benign for Ataxia-telangiectasia syndrome. Last evaluated: 2026-02-04. Review status: criteria provided, single submitter. Criteria: Invitae Variant Classification Sherloc (09022015). Collection method: clinical testing. Allele origin: germline.

Athena Diagnostics
Classification: Benign. Last evaluated: 2025-10-03. Review status: criteria provided, single submitter. Criteria: Athena Diagnostics Criteria. Collection method: clinical testing. Allele origin: unknown.
Comment: The frequency of this variant in the general population is higher than would generally be expected for pathogenic variants in this gene. Computational tools predict this amino acid change may be benign.

ARUP Laboratories, Molecular Genetics and Genomics, ARUP Laboratories
Classification: Benign. Last evaluated: 2025-07-15. Review status: criteria provided, single submitter. Criteria: ARUP Molecular Germline Variant Investigation Process 2024. Collection method: clinical testing. Allele origin: germline.

Center for Genomic Medicine, Rigshospitalet, Copenhagen University Hospital
Classification: Benign. Last evaluated: 2025-03-04. Review status: criteria provided, single submitter. Criteria: ACMG Guidelines, 2015. Collection method: clinical testing. Allele origin: germline.

Blueprint Genetics
Classification: Likely benign. Last evaluated: 2024-11-27. Review status: criteria provided, single submitter. Criteria: ACMG Guidelines, 2015. Collection method: clinical testing. Allele origin: germline.

Mayo Clinic Laboratories, Mayo Clinic
Classification: Benign. Last evaluated: 2024-11-04. Review status: criteria provided, single submitter. Criteria: ACMG Guidelines, 2015. Collection method: clinical testing. Allele origin: germline. Observed: 84 variant alleles.
Comment: BS1, BS2, BS3

Myriad Genetics, Inc.
Classification: Benign for Familial cancer of breast. Last evaluated: 2024-05-09. Review status: criteria provided, single submitter. Criteria: Myriad Autosomal Dominant, Autosomal Recessive and X-Linked Classification Criteria (2023). Collection method: clinical testing. Allele origin: unknown.
Comment: This variant is considered benign. This variant is strongly associated with less severe personal and family histories of cancer, typical for individuals without pathogenic variants in this gene [PMID: 25085752]. This variant has been observed at a population frequency that is significantly greater than expected given the associated disease prevalence and penetrance.

National Health Laboratory Service, Universitas Academic Hospital and University of the Free State
Classification: Benign for Hereditary breast ovarian cancer syndrome. Last evaluated: 2022-04-19. Review status: criteria provided, single submitter. Criteria: ACMG Guidelines, 2015. Collection method: clinical testing. Allele origin: germline. Affected: yes. Observed: 1 variant allele.

Quest Diagnostics Nichols Institute San Juan Capistrano
Classification: Benign. Last evaluated: 2021-07-19. Review status: criteria provided, single submitter. Criteria: Quest Diagnostics criteria. Collection method: clinical testing. Allele origin: unknown.

Practice for Gait Abnormalities, David Pomarino, Competency Network Toe Walking C/o Practice Pomarino
Classification: Benign for Tip-toe gait. Last evaluated: 2021-05-31. Review status: criteria provided, single submitter. Criteria: ACMG Guidelines, 2015. Collection method: clinical testing. Allele origin: paternal, unknown. Affected: yes and no.
Comment: We examined a family. This variant probably has no clinical relevance, as it occurs frequently, and no disease relevance is predicted for the amino acid change from phenylalanine to leucine according to the calculation of various in-silico prediction programs (Polyphen2, SIFT, Mutation Taster). In the ClinVar mutation database there are also mostly entries "benign" and "likely benign" vs.VUS. Gait disorder

Genome-Nilou Lab
Classification: Benign for Ataxia-telangiectasia syndrome. Last evaluated: 2021-05-18. Review status: criteria provided, single submitter. Criteria: ACMG Guidelines, 2015. Collection method: clinical testing. Allele origin: germline. Affected: no.

CHEO Genetics Diagnostic Laboratory, Children's Hospital of Eastern Ontario
Classification: Benign for Breast and/or ovarian cancer. Last evaluated: 2019-05-24. Review status: criteria provided, single submitter. Criteria: ACMG Guidelines, 2015. Collection method: clinical testing. Allele origin: germline.

Institute for Biomarker Research, Medical Diagnostic Laboratories, L.L.C.
Classification: Likely benign for Hereditary cancer-predisposing syndrome. Last evaluated: 2018-05-23. Review status: criteria provided, single submitter. Criteria: ACMG Guidelines, 2015. Collection method: clinical testing. Allele origin: germline.

Illumina Laboratory Services, Illumina
Classification: Likely benign for Ataxia-telangiectasia syndrome. Last evaluated: 2017-04-27. Review status: criteria provided, single submitter. Criteria: ICSL Variant Classification Criteria 13 December 2019. Collection method: clinical testing. Allele origin: germline.
Comment: This variant was observed as part of a predisposition screen in an ostensibly healthy population. A literature search was performed for the gene, cDNA change, and amino acid change (where applicable). Publications were found based on this search. The evidence from the literature, in combination with allele frequency data from public databases where available, was sufficient to determine this variant is unlikely to cause disease. Therefore, this variant is classified as likely benign.

Women's Health and Genetics/Laboratory Corporation of America, LabCorp
Classification: Benign. Last evaluated: 2016-04-11. Review status: criteria provided, single submitter. Criteria: LabCorp Variant Classification Summary - May 2015. Collection method: clinical testing. Allele origin: germline.
Comment: Variant summary: The ATM c.2572T>C variant affects a conserved nucleotide, resulting in an amino acid change from Phe to Leu. 4/4 in-silico tools predict benign outcome for this variant (SNPs&GO not captured due to low reliability index), and a functional test based on p21 gene induction after parallel treatment of leukemic cells with fludarabine and doxorubicinfunctional support a benign outcome (Navrkalova_Haematologica_2013). This variant was found in 1165/126138 control chromosomes (16 homozygotes) at a frequency of 0.0092359, which is about 2 times of the maximal expected frequency of an ATM pathogenic allele (0.0039528), suggesting this variant is benign. The variant was included in several risk association studies, 5/6 of which found no significanct association between the variant and breast cancer, however one association study found a statistically significant association with the F858L polymorphism and chronic lymphocytic leukemia risk, both alone and in combination with the second ATM polymorphism P1054R, which are in strong linkage disequilibrium (Rudd_2006). In addition, clinical laboratories classified this variant as benign. Taken together, this variant was classified as benign.

Vantari Genetics
Classification: Benign for Hereditary cancer-predisposing syndrome. Last evaluated: 2015-10-13. Review status: criteria provided, single submitter. Criteria: ACMG Guidelines, 2015. Collection method: clinical testing. Allele origin: germline.

Eurofins Ntd Llc (ga)
Classification: Benign. Last evaluated: 2015-02-09. Review status: criteria provided, single submitter. Criteria: EGL Classification Definitions 2015. Collection method: clinical testing. Allele origin: germline. Observed: 1 variant allele, 1 heterozygote.

Color Diagnostics, LLC DBA Color Health
Classification: Benign for Hereditary cancer-predisposing syndrome. Last evaluated: 2014-11-21. Review status: criteria provided, single submitter. Criteria: ACMG Guidelines, 2015. Collection method: clinical testing. Allele origin: germline.